The following is an entry in ClinVar:

NM_198859.4(PRICKLE2):c.438G>A (p.Ala146=)

Gene: PRICKLE2 (prickle planar cell polarity protein 2; minus strand). Cytogenetic location: 3p14.1.
Variant type: single nucleotide variant.
Coding change: c.438G>A on transcript NM_198859.4 (MANE Select); coding-DNA position 438, G replaced by A.
Protein change: p.Ala146=; no amino-acid change (alanine 146 retained).
Molecular consequence: synonymous variant.
Genome position (GRCh38, 1-based): chr3:64,157,324, C>T on the plus strand (G>A on the coding strand, the complement: PRICKLE2 is on the minus strand). VCF-style: chr3-64157324-C-T. GRCh37 (hg19) VCF-style: chr3-64143000-C-T.
Other names: c.438G>A, p.Ala146= (NM_001370528.1).
Identifiers: ClinVar variation 478006 (VCV000478006.19), dbSNP rs149786687, ClinGen allele CA2479816.

ClinVar aggregate classification (germline): Benign/Likely benign. Review status: criteria provided, multiple submitters, no conflicts (2 of 4 stars). 5 submissions from 5 submitters: Benign (1); Likely benign (3). 1 of the submissions does not count toward it. Last evaluated 2026-01-28.

Conditions:
PRICKLE2-related disorder. Also called: PRICKLE2-related condition.
Progressive myoclonic epilepsy type 5. Identifiers: Orphanet 402082, MedGen C5190799.

Allele frequency attached by ClinVar (database versions not stated): gnomAD exomes 0.00050; ExAC 0.00052; ESP Exome Variant Server 0.00100; gnomAD 0.00112 and 0.00113; TOPMed 0.00139; 1000 Genomes Project 0.00200; 1000 Genomes Project 30x 0.00281.
gnomAD v4.1: 535 of 1,613,850 alleles (0.033%); highest among the groups gnomAD compares: African/African-American, 0.31%; 1 homozygote.

Submissions (5):

Labcorp Genetics (formerly Invitae), Labcorp
Classification: Benign for Progressive myoclonic epilepsy type 5. Last evaluated: 2026-01-28. Review status: criteria provided, single submitter. Criteria: Invitae Variant Classification Sherloc (09022015). Collection method: clinical testing. Allele origin: germline.

Blueprint Genetics
Classification: Likely benign. Last evaluated: 2024-10-24. Review status: criteria provided, single submitter. Criteria: ACMG Guidelines, 2015. Collection method: clinical testing. Allele origin: germline.

Athena Diagnostics
Classification: Likely benign. Last evaluated: 2018-03-29. Review status: criteria provided, single submitter. Criteria: Athena Diagnostics Criteria. Collection method: clinical testing. Allele origin: germline.

Eurofins Ntd Llc (ga)
Classification: Likely benign. Last evaluated: 2017-11-02. Review status: criteria provided, single submitter. Criteria: EGL Classification Definitions 2015. Collection method: clinical testing. Allele origin: germline. Observed: 1 variant allele, 1 heterozygote.

PreventionGenetics, part of Exact Sciences
Classification: Likely benign for PRICKLE2-related condition. Last evaluated: 2019-07-12. Review status: no assertion criteria provided. Collection method: clinical testing. Allele origin: germline. Not counted in ClinVar's aggregate classification.
Comment: This variant is classified as likely benign based on ACMG/AMP sequence variant interpretation guidelines (Richards et al. 2015 PMID: 25741868, with internal and published modifications).